The following is an entry in ClinVar:

ClinVar aggregate classification (germline): Uncertain significance (1 of 4 stars; one submission).

Submission:

Labcorp Genetics (formerly Invitae), Labcorp
Classification: Uncertain significance. Last evaluated: 2025-02-24. Review status: criteria provided, single submitter. Criteria: Invitae Variant Classification Sherloc (09022015). Collection method: clinical testing. Allele origin: germline.
Comment: This sequence change replaces glycine, which is neutral and non-polar, with glutamic acid, which is acidic and polar, at codon 54 of the LSR protein (p.Gly54Glu). Information on the frequency of this variant in the gnomAD database is not available, as this variant may be reported differently in the database. This variant has not been reported in the literature in individuals affected with LSR-related conditions. ClinVar contains an entry for this variant (Variation ID: 1909228). An algorithm developed to predict the effect of missense changes on protein structure and function (PolyPhen-2) suggests that this variant is likely to be tolerated. In summary, the available evidence is currently insufficient to determine the role of this variant in disease. Therefore, it has been classified as a Variant of Uncertain Significance.

NM_205834.4(LSR):c.17_18delinsAA (p.Gly6Glu)

Gene: LSR (lipolysis stimulated lipoprotein receptor; plus strand). Cytogenetic location: 19q13.12.
Variant type: Indel.
Coding change: c.17_18delinsAA on transcript NM_205834.4 (MANE Select); coding-DNA positions 17 to 18, GC replaced by AA.
Protein change: p.Gly6Glu; replaces glycine 6 with glutamic acid.
Molecular consequence: missense variant.
Genome position (GRCh38, 1-based): chr19:35,249,039-35,249,040, GC replaced by AA. VCF-style: chr19-35249039-GC-AA. GRCh37 (hg19) VCF-style: chr19-35739942-GC-AA.
Other names: c.17_18delinsAA, p.Gly6Glu (NM_001260489.2, NM_001260490.2, NM_001385215.1 and 2 more transcripts); short protein forms G6E.
Identifiers: ClinVar variation 1909228 (VCV001909228.5), dbSNP rs2513441646, ClinGen allele CA2580096801.
Genomic context (GRCh38, chr19:35,249,039, plus strand): 5'-ACTTTGGAAGGGACGCGCGGGCCAGACGCGCCCAGACGGCCGCGATGGCGCTGTTGGCCG[GC>AA]GGGCTCTCCAGAGGGCTGGGCTCCCACCCGGCCGCCGCAGGCCGGGACGCGGTCGTCTTC-3'
Protein context (NP_991403.2, residues 1-16): MALLA[Gly6Glu]GLSRGLGSHP